The following is an entry in ClinVar:

ClinVar aggregate classification (germline): Uncertain significance (1 of 4 stars; one submission).

Conditions:
GLUT1 deficiency syndrome 1, autosomal recessive. Identifiers: MedGen C3149117.

Allele frequency attached by ClinVar (database versions not stated): gnomAD exomes below 0.00001; TOPMed below 0.00001; gnomAD 0.00001.
gnomAD v4.1: 2 of 1,613,992 alleles (0.00012%); highest among the groups gnomAD compares: African/African-American, 0.0013%; no homozygotes.

Submission:

Labcorp Genetics (formerly Invitae), Labcorp
Classification: Uncertain significance for GLUT1 deficiency syndrome 1, autosomal recessive. Last evaluated: 2019-07-09. Review status: criteria provided, single submitter. Criteria: Invitae Variant Classification Sherloc (09022015). Collection method: clinical testing. Allele origin: germline.
Comment: This sequence change replaces proline with serine at codon 187 of the SLC2A1 protein (p.Pro187Ser). The proline residue is highly conserved and there is a moderate physicochemical difference between proline and serine. This variant is not present in population databases (ExAC no frequency). This variant has not been reported in the literature in individuals with SLC2A1-related conditions. Algorithms developed to predict the effect of missense changes on protein structure and function are either unavailable or do not agree on the potential impact of this missense change (SIFT: "Tolerated"; PolyPhen-2: "Probably Damaging"; Align-GVGD: "Class C0"). In summary, the available evidence is currently insufficient to determine the role of this variant in disease. Therefore, it has been classified as a Variant of Uncertain Significance.

NM_006516.4(SLC2A1):c.559C>T (p.Pro187Ser)

Gene: SLC2A1 (solute carrier family 2 member 1; minus strand). Cytogenetic location: 1p34.2.
Variant type: single nucleotide variant.
Coding change: c.559C>T on transcript NM_006516.4 (MANE Select); coding-DNA position 559, C replaced by T.
Protein change: p.Pro187Ser; replaces proline 187 with serine.
Molecular consequence: missense variant.
Genome position (GRCh38, 1-based): chr1:42,929,993, G>A on the plus strand (C>T on the coding strand, the complement: SLC2A1 is on the minus strand). VCF-style: chr1-42929993-G-A. GRCh37 (hg19) VCF-style: chr1-43395664-G-A.
Other names: short protein forms P187S.
Identifiers: ClinVar variation 952922 (VCV000952922.10), dbSNP rs1459390244, ClinGen allele CA339958697.